The following is an entry in ClinVar:

ClinVar aggregate classification (germline): Uncertain significance (1 of 4 stars; one submission).

gnomAD v4.1: 15 of 1,612,538 alleles (0.00093%); highest among the groups gnomAD compares: Admixed American, 0.0033%; no homozygotes.

Submission:

Ambry Genetics
Classification: Uncertain significance. Last evaluated: 2024-05-02. Review status: criteria provided, single submitter. Criteria: Ambry Variant Classification Scheme 2023. Collection method: clinical testing. Allele origin: germline.
Comment: The p.Y401C variant (also known as c.1202A>G), located in coding exon 1 of the MLH3 gene, results from an A to G substitution at nucleotide position 1202. The tyrosine at codon 401 is replaced by cysteine, an amino acid with highly dissimilar properties. This amino acid position is conserved. In addition, the in silico prediction for this alteration is inconclusive. Based on the available evidence, the clinical significance of this variant remains unclear.

NM_001040108.2(MLH3):c.1202A>G (p.Tyr401Cys)

Gene: MLH3 (mutL homolog 3; minus strand). Cytogenetic location: 14q24.3.
Variant type: single nucleotide variant.
Coding change: c.1202A>G on transcript NM_001040108.2 (MANE Select); coding-DNA position 1202, A replaced by G.
Protein change: p.Tyr401Cys; replaces tyrosine 401 with cysteine.
Molecular consequence: missense variant.
Genome position (GRCh38, 1-based): chr14:75,048,454, T>C on the plus strand (A>G on the coding strand, the complement: MLH3 is on the minus strand). VCF-style: chr14-75048454-T-C. GRCh37 (hg19) VCF-style: chr14-75515157-T-C.
Other names: c.1202A>G, p.Tyr401Cys (NM_014381.3); short protein forms Y401C.
Identifiers: ClinVar variation 3295074 (VCV003295074.1).